The following is an entry in ClinVar:

ClinVar aggregate classification (germline): Likely benign. Review status: criteria provided, multiple submitters, no conflicts (2 of 4 stars). 3 submissions from 3 submitters: Likely benign (3). Last evaluated 2025-11-25.

Conditions:
Wilson disease (WND). Also called: Wilson's disease. Identifiers: Orphanet 905, MedGen C0019202, MONDO:0010200, OMIM 277900. Disease mechanism: loss of function.

Allele frequency attached by ClinVar (database versions not stated): TOPMed below 0.00001; ExAC 0.00002.
gnomAD v4.1: 8 of 1,614,198 alleles (0.0005%); highest among the groups gnomAD compares: Non-Finnish European, 0.00068%; no homozygotes.

Submissions (3):

Labcorp Genetics (formerly Invitae), Labcorp
Classification: Likely benign for Wilson disease. Last evaluated: 2025-11-25. Review status: criteria provided, single submitter. Criteria: Invitae Variant Classification Sherloc (09022015). Collection method: clinical testing. Allele origin: germline.

All of Us Research Program, National Institutes of Health
Classification: Likely benign for Wilson disease. Last evaluated: 2023-06-26. Review status: criteria provided, single submitter. Criteria: ACMG Guidelines, 2015. Collection method: clinical testing. Allele origin: germline. Inheritance: Autosomal recessive inheritance. Observed: 1 variant allele, 1 heterozygote.
Comment: This study involves interpretation of variants in research participants for the purpose of population health screening. Participant phenotype was not available at the time of variant classification. Additional details can be found in publication PMID: 35346344, PMCID: PMC8962531

Color Diagnostics, LLC DBA Color Health
Classification: Likely benign for Wilson disease. Last evaluated: 2022-09-21. Review status: criteria provided, single submitter. Criteria: ACMG Guidelines, 2015. Collection method: clinical testing. Allele origin: germline.

NM_000053.4(ATP7B):c.2394C>T (p.Leu798=)

Gene: ATP7B (ATPase copper transporting beta; minus strand). Cytogenetic location: 13q14.3.
Variant type: single nucleotide variant.
Coding change: c.2394C>T on transcript NM_000053.4 (MANE Select); coding-DNA position 2394, C replaced by T.
Protein change: p.Leu798=; no amino-acid change (leucine 798 retained).
Molecular consequence: synonymous variant.
Genome position (GRCh38, 1-based): chr13:51,957,569, G>A on the plus strand (C>T on the coding strand, the complement: ATP7B is on the minus strand). VCF-style: chr13-51957569-G-A. GRCh37 (hg19) VCF-style: chr13-52531705-G-A.
Other names: c.1908C>T, p.Leu636= (NM_001005918.3); c.2061C>T, p.Leu687= (NM_001243182.2); c.2160C>T, p.Leu720= (NM_001330578.2); c.2142C>T, p.Leu714= (NM_001330579.2).
Identifiers: ClinVar variation 1535229 (VCV001535229.9), dbSNP rs758690020, ClinGen allele CA6989041.